The following is an entry in ClinVar:

NM_015331.3(NCSTN):c.1794+11G>A

Gene: NCSTN (nicastrin; plus strand). Cytogenetic location: 1q23.2.
Variant type: single nucleotide variant.
Coding change: c.1794+11G>A on transcript NM_015331.3 (MANE Select); 11 bases into the intron after coding-DNA position 1794, G replaced by A.
Molecular consequence: intron variant.
Genome position (GRCh38, 1-based): chr1:160,356,765, G>A. VCF-style: chr1-160356765-G-A. GRCh37 (hg19) VCF-style: chr1-160326555-G-A.
Other names: c.1734+11G>A (NM_001290184.2); c.1794+11G>A (NM_001349729.2); c.1380+11G>A (NM_001290186.2).
Identifiers: ClinVar variation 2047651 (VCV002047651.4), dbSNP rs767848031, ClinGen allele CA1199099.

ClinVar aggregate classification (germline): Uncertain significance (1 of 4 stars; one submission).

Allele frequency attached by ClinVar (database versions not stated): ExAC 0.00001.
gnomAD v4.1: 1 of 1,614,194 alleles (0.000062%); highest among the groups gnomAD compares: South Asian, 0.0011%; no homozygotes.

Submission:

Labcorp Genetics (formerly Invitae), Labcorp
Classification: Uncertain significance. Last evaluated: 2022-07-06. Review status: criteria provided, single submitter. Criteria: Invitae Variant Classification Sherloc (09022015). Collection method: clinical testing. Allele origin: germline.
Comment: In summary, the available evidence is currently insufficient to determine the role of this variant in disease. Therefore, it has been classified as a Variant of Uncertain Significance. Algorithms developed to predict the effect of sequence changes on RNA splicing suggest that this variant may disrupt the consensus splice site. This variant has not been reported in the literature in individuals affected with NCSTN-related conditions. This variant is present in population databases (rs767848031, gnomAD 0.003%). This sequence change falls in intron 15 of the NCSTN gene. It does not directly change the encoded amino acid sequence of the NCSTN protein.